The following is an entry in ClinVar:

ClinVar aggregate classification (germline): Likely benign. Review status: criteria provided, multiple submitters, no conflicts (2 of 4 stars). 3 submissions from 3 submitters: Likely benign (3). Last evaluated 2024-08-13.

Conditions:
Inborn genetic diseases. Identifiers: MedGen C0950123, MeSH D030342.

Allele frequency attached by ClinVar (database versions not stated): ExAC 0.00001; TOPMed 0.00001.
gnomAD v4.1: 13 of 1,210,140 alleles (0.0011%); highest among the groups gnomAD compares: Middle Eastern, 0.023%; no homozygotes.

Submissions (3):

Blueprint Genetics
Classification: Likely benign. Last evaluated: 2024-08-13. Review status: criteria provided, single submitter. Criteria: ACMG Guidelines, 2015. Collection method: clinical testing. Allele origin: germline.

CeGaT Center for Human Genetics Tuebingen
Classification: Likely benign. Last evaluated: 2023-10-01. Review status: criteria provided, single submitter. Criteria: CeGaT Center For Human Genetics Tuebingen Variant Classification Criteria Version 2. Collection method: clinical testing. Allele origin: germline. Affected: yes. Observed: 2 variant alleles.
Comment: BRWD3: BP4, BP7

Ambry Genetics
Classification: Likely benign for Inborn genetic diseases. Last evaluated: 2018-02-13. Review status: criteria provided, single submitter. Criteria: Ambry Variant Classification Scheme 2023. Collection method: clinical testing. Allele origin: germline.

NM_153252.5(BRWD3):c.1506G>T (p.Arg502=)

Gene: BRWD3 (bromodomain and WD repeat domain containing 3; minus strand). Cytogenetic location: Xq21.1.
Variant type: single nucleotide variant.
Coding change: c.1506G>T on transcript NM_153252.5 (MANE Select); coding-DNA position 1506, G replaced by T.
Protein change: p.Arg502=; no amino-acid change (arginine 502 retained).
Molecular consequence: synonymous variant.
Genome position (GRCh38, 1-based): chrX:80,724,948, C>A on the plus strand (G>T on the coding strand, the complement: BRWD3 is on the minus strand). VCF-style: chrX-80724948-C-A. GRCh37 (hg19) VCF-style: chrX-79980447-C-A.
Identifiers: ClinVar variation 1774096 (VCV001774096.27), dbSNP rs776521839, ClinGen allele CA10462172.